The following is an entry in ClinVar:

NM_001849.4(COL6A2):c.181T>C (p.Ser61Pro)

Gene: COL6A2 (collagen type VI alpha 2 chain; plus strand). Cytogenetic location: 21q22.3.
Variant type: single nucleotide variant.
Coding change: c.181T>C on transcript NM_001849.4 (MANE Select); coding-DNA position 181, T replaced by C.
Protein change: p.Ser61Pro; replaces serine 61 with proline.
Molecular consequence: missense variant.
Genome position (GRCh38, 1-based): chr21:46,112,044, T>C. VCF-style: chr21-46112044-T-C. GRCh37 (hg19) VCF-style: chr21-47531958-T-C.
Other names: c.181T>C, p.Ser61Pro (NM_058174.3, NM_058175.3); short protein forms S61P.
Identifiers: ClinVar variation 502140 (VCV000502140.17), dbSNP rs990733473, ClinGen allele CA321957147.

ClinVar aggregate classification (germline): Uncertain significance. Review status: criteria provided, multiple submitters, no conflicts (2 of 4 stars). 5 submissions from 5 submitters: Uncertain significance (5). Last evaluated 2026-03-26.

Conditions:
Bethlem myopathy 1A. Also called: Bethlem Muscular Dystrophy; MYOPATHY, BENIGN CONGENITAL, WITH CONTRACTURES; Bethlem myopathy 1. Identifiers: Orphanet 610, MedGen CN029274, MONDO:0024530, OMIM 158810.
COL6A2-related disorder.

Allele frequency attached by ClinVar (database versions not stated): gnomAD 0.00002; TOPMed 0.00010.
gnomAD v4.1: 9 of 1,612,668 alleles (0.00056%); highest among the groups gnomAD compares: Admixed American, 0.0033%; no homozygotes.

Submissions (5):

PreventionGenetics, part of Exact Sciences
Classification: Uncertain significance for COL6A2-related condition. Last evaluated: 2026-03-26. Review status: criteria provided, single submitter. Criteria: ACMG Guidelines, 2015. Collection method: clinical testing. Allele origin: germline.
Comment: The COL6A2 c.181T>C variant is predicted to result in the amino acid substitution p.Ser61Pro. To our knowledge, this variant has not been reported in the literature or in a large population database (gnomAD), indicating this variant is rare. At PreventionGenetics, we have observed this variant to be inherited from presumably unaffected parents, indicating this variant is less likely associated with autosomal dominant COL6A2-related disorders (Internal Data). At this time, the clinical significance of this variant is uncertain due to the absence of conclusive functional and genetic evidence.

Labcorp Genetics (formerly Invitae), Labcorp
Classification: Uncertain significance for Bethlem myopathy 1A. Last evaluated: 2025-03-20. Review status: criteria provided, single submitter. Criteria: Invitae Variant Classification Sherloc (09022015). Collection method: clinical testing. Allele origin: germline.
Comment: This sequence change replaces serine, which is neutral and polar, with proline, which is neutral and non-polar, at codon 61 of the COL6A2 protein (p.Ser61Pro). This variant is not present in population databases (gnomAD no frequency). This variant has not been reported in the literature in individuals affected with COL6A2-related conditions. ClinVar contains an entry for this variant (Variation ID: 502140). Invitae Evidence Modeling of protein sequence and biophysical properties (such as structural, functional, and spatial information, amino acid conservation, physicochemical variation, residue mobility, and thermodynamic stability) indicates that this missense variant is not expected to disrupt COL6A2 protein function with a negative predictive value of 80%. In summary, the available evidence is currently insufficient to determine the role of this variant in disease. Therefore, it has been classified as a Variant of Uncertain Significance.

GeneDx
Classification: Uncertain significance. Last evaluated: 2022-12-22. Review status: criteria provided, single submitter. Criteria: GeneDx Variant Classification Process June 2021. Collection method: clinical testing. Allele origin: germline. Affected: yes.
Comment: Not observed at significant frequency in large population cohorts (gnomAD); In silico analysis supports that this missense variant does not alter protein structure/function; Has not been previously published as pathogenic or benign to our knowledge; This variant is associated with the following publications: (PMID: 30564623)

Revvity Omics, Revvity
Classification: Uncertain significance. Last evaluated: 2022-10-11. Review status: criteria provided, single submitter. Criteria: ACMG Guidelines, 2015. Collection method: clinical testing. Allele origin: germline.

Eurofins Ntd Llc (ga)
Classification: Uncertain significance. Last evaluated: 2017-05-23. Review status: criteria provided, single submitter. Criteria: EGL Classification Definitions 2015. Collection method: clinical testing. Allele origin: germline. Observed: 1 variant allele, 1 homozygote.